The following is an entry in ClinVar:

NM_001606.5(ABCA2):c.4840G>A (p.Val1614Ile)

Gene: ABCA2 (ATP binding cassette subfamily A member 2; minus strand). Cytogenetic location: 9q34.3.
Variant type: single nucleotide variant.
Coding change: c.4840G>A on transcript NM_001606.5 (MANE Select); coding-DNA position 4840, G replaced by A.
Protein change: p.Val1614Ile; replaces valine 1614 with isoleucine.
Molecular consequence: missense variant.
Genome position (GRCh38, 1-based): chr9:137,013,029, C>T on the plus strand (G>A on the coding strand, the complement: ABCA2 is on the minus strand). VCF-style: chr9-137013029-C-T. GRCh37 (hg19) VCF-style: chr9-139907481-C-T.
Other names: c.4837G>A, p.Val1613Ile (NM_001411042.1); c.4930G>A, p.Val1644Ile (NM_212533.3); short protein forms V1613I, V1614I, V1644I.
Identifiers: ClinVar variation 3388007 (VCV003388007.15).

ClinVar aggregate classification (germline): Likely benign. Review status: criteria provided, multiple submitters, no conflicts (2 of 4 stars). 2 submissions from 2 submitters: Likely benign (2). Last evaluated 2026-09-01.

gnomAD v4.1: 10,364 of 1,458,814 alleles (0.71%); highest among the groups gnomAD compares: Non-Finnish European, 0.88%; 55 homozygotes.

Submissions (2):

CeGaT Center for Human Genetics Tuebingen
Classification: Likely benign. Last evaluated: 2026-09-01. Review status: criteria provided, single submitter. Criteria: CeGaT Center For Human Genetics Tuebingen Variant Classification Criteria Version 2. Collection method: clinical testing. Allele origin: germline. Affected: yes. Observed: 12 variant alleles.
Comment: ABCA2: BP4, BS2

Blueprint Genetics
Classification: Likely benign. Last evaluated: 2024-11-26. Review status: criteria provided, single submitter. Criteria: ACMG Guidelines, 2015. Collection method: clinical testing. Allele origin: germline.